The following is an entry in ClinVar:

NM_003392.7(WNT5A):c.1113G>A (p.Thr371=)

Gene: WNT5A (Wnt family member 5A; minus strand). Cytogenetic location: 3p14.3.
Variant type: single nucleotide variant.
Coding change: c.1113G>A on transcript NM_003392.7 (MANE Select); coding-DNA position 1113, G replaced by A.
Protein change: p.Thr371=; no amino-acid change (threonine 371 retained).
Molecular consequence: synonymous variant.
Genome position (GRCh38, 1-based): chr3:55,470,122, C>T on the plus strand (G>A on the coding strand, the complement: WNT5A is on the minus strand). VCF-style: chr3-55470122-C-T. GRCh37 (hg19) VCF-style: chr3-55504150-C-T.
Other names: c.1068G>A, p.Thr356= (NM_001256105.1, NM_001377271.1, NM_001377272.1); c.1113G>A (NM_003392.4).
Identifiers: ClinVar variation 1911005 (VCV001911005.7), dbSNP rs751084010, ClinGen allele CA2458908.

ClinVar aggregate classification (germline): Likely benign. Review status: criteria provided, single submitter (1 of 4 stars). 2 submissions from 2 submitters: Likely benign (1). 1 of the submissions does not count toward it. Last evaluated 2024-01-16.

Conditions:
WNT5A-related disorder. Also called: WNT5A-related condition.

Allele frequency attached by ClinVar (database versions not stated): gnomAD 0.00001; gnomAD exomes 0.00001; ExAC 0.00003.
gnomAD v4.1: 15 of 1,614,130 alleles (0.00093%); highest among the groups gnomAD compares: South Asian, 0.014%; no homozygotes.

Submissions (2):

Labcorp Genetics (formerly Invitae), Labcorp
Classification: Likely benign. Last evaluated: 2024-01-16. Review status: criteria provided, single submitter. Criteria: Invitae Variant Classification Sherloc (09022015). Collection method: clinical testing. Allele origin: germline.

PreventionGenetics, part of Exact Sciences
Classification: Likely benign for WNT5A-related condition. Last evaluated: 2019-11-05. Review status: no assertion criteria provided. Collection method: clinical testing. Allele origin: germline. Not counted in ClinVar's aggregate classification.
Comment: This variant is classified as likely benign based on ACMG/AMP sequence variant interpretation guidelines (Richards et al. 2015 PMID: 25741868, with internal and published modifications).